The following is an entry in ClinVar:

NM_173648.4(CCDC141):c.3537A>T (p.Gln1179His)

Gene: CCDC141 (coiled-coil domain containing 141; minus strand). Cytogenetic location: 2q31.2.
Variant type: single nucleotide variant.
Coding change: c.3537A>T on transcript NM_173648.4 (MANE Select); coding-DNA position 3537, A replaced by T.
Protein change: p.Gln1179His; replaces glutamine 1179 with histidine.
Molecular consequence: missense variant.
Genome position (GRCh38, 1-based): chr2:178,837,682, T>A on the plus strand (A>T on the coding strand, the complement: CCDC141 is on the minus strand). VCF-style: chr2-178837682-T-A. GRCh37 (hg19) VCF-style: chr2-179702409-T-A.
Other names: short protein forms Q1179H.
Identifiers: ClinVar variation 4804517 (VCV004804517.1).

ClinVar aggregate classification (germline): Uncertain significance (1 of 4 stars; one submission).

Submission:

Labcorp Genetics (formerly Invitae), Labcorp
Classification: Uncertain significance. Last evaluated: 2025-12-23. Review status: criteria provided, single submitter. Criteria: Invitae Variant Classification Sherloc (09022015). Collection method: clinical testing. Allele origin: germline.
Comment: This sequence change replaces glutamine, which is neutral and polar, with histidine, which is basic and polar, at codon 1179 of the CCDC141 protein (p.Gln1179His). This variant is not present in population databases (gnomAD no frequency). This variant has not been reported in the literature in individuals affected with CCDC141-related conditions. An algorithm developed to predict the effect of missense changes on protein structure and function (PolyPhen-2) suggests that this variant is likely to be disruptive. In summary, the available evidence is currently insufficient to determine the role of this variant in disease. Therefore, it has been classified as a Variant of Uncertain Significance.